The following is an entry in ClinVar:

ClinVar aggregate classification (germline): Uncertain significance (1 of 4 stars; one submission).

Conditions:
Inborn genetic diseases. Identifiers: MedGen C0950123, MeSH D030342.

Allele frequency attached by ClinVar (database versions not stated): TOPMed below 0.00001; gnomAD 0.00001.
gnomAD v4.1: 1 of 1,613,660 alleles (0.000062%); no homozygotes.

Submission:

Ambry Genetics
Classification: Uncertain significance for Inborn genetic diseases. Last evaluated: 2022-04-22. Review status: criteria provided, single submitter. Criteria: Ambry Variant Classification Scheme 2023. Collection method: clinical testing. Allele origin: germline.
Comment: The p.P670A variant (also known as c.2008C>G), located in coding exon 12 of the EPAS1 gene, results from a C to G substitution at nucleotide position 2008. The proline at codon 670 is replaced by alanine, an amino acid with highly similar properties. This amino acid position is conserved. In addition, this alteration is predicted to be tolerated by in silico analysis. Since supporting evidence is limited at this time, the clinical significance of this alteration remains unclear.

NM_001430.5(EPAS1):c.2008C>G (p.Pro670Ala)

Gene: EPAS1 (endothelial PAS domain protein 1; plus strand). Cytogenetic location: 2p21.
Variant type: single nucleotide variant.
Coding change: c.2008C>G on transcript NM_001430.5 (MANE Select); coding-DNA position 2008, C replaced by G.
Protein change: p.Pro670Ala; replaces proline 670 with alanine.
Molecular consequence: missense variant.
Genome position (GRCh38, 1-based): chr2:46,380,680, C>G. VCF-style: chr2-46380680-C-G. GRCh37 (hg19) VCF-style: chr2-46607819-C-G.
Other names: short protein forms P670A.
Identifiers: ClinVar variation 1784353 (VCV001784353.2), dbSNP rs1684868706, ClinGen allele CA346705334.